The following is an entry in ClinVar:

NM_006904.7(PRKDC):c.4940C>A (p.Ala1647Asp)

Gene: PRKDC (protein kinase, DNA-activated, catalytic subunit; minus strand). Cytogenetic location: 8q11.21.
Variant type: single nucleotide variant.
Coding change: c.4940C>A on transcript NM_006904.7 (MANE Select); coding-DNA position 4940, C replaced by A.
Protein change: p.Ala1647Asp; replaces alanine 1647 with aspartic acid.
Molecular consequence: missense variant.
Genome position (GRCh38, 1-based): chr8:47,881,934, G>T on the plus strand (C>A on the coding strand, the complement: PRKDC is on the minus strand). VCF-style: chr8-47881934-G-T. GRCh37 (hg19) VCF-style: chr8-48794495-G-T.
Other names: c.4940C>A, p.Ala1647Asp (NM_001081640.2); short protein forms A1647D.
Identifiers: ClinVar variation 1744273 (VCV001744273.2), dbSNP rs2551872680, ClinGen allele CA371141486.

ClinVar aggregate classification (germline): Uncertain significance (1 of 4 stars; one submission).

Submission:

Ambry Genetics
Classification: Uncertain significance. Last evaluated: 2022-08-28. Review status: criteria provided, single submitter. Criteria: Ambry Variant Classification Scheme 2023. Collection method: clinical testing. Allele origin: germline.
Comment: The p.A1647D variant (also known as c.4940C>A), located in coding exon 37 of the PRKDC gene, results from a C to A substitution at nucleotide position 4940. The alanine at codon 1647 is replaced by aspartic acid, an amino acid with dissimilar properties. This amino acid position is conserved. Since supporting evidence is limited at this time, the clinical significance of this alteration remains unclear.